The following is an entry in ClinVar:

ClinVar aggregate classification (germline): Uncertain significance (1 of 4 stars; one submission).

Conditions:
Inborn genetic diseases. Identifiers: MedGen C0950123, MeSH D030342.

gnomAD v4.1: 3 of 1,612,190 alleles (0.00019%); highest among the groups gnomAD compares: Non-Finnish European, 0.00025%; no homozygotes.

Submission:

Ambry Genetics
Classification: Uncertain significance for Inborn genetic diseases. Last evaluated: 2025-01-04. Review status: criteria provided, single submitter. Criteria: Ambry Variant Classification Scheme 2023. Collection method: clinical testing. Allele origin: germline.
Comment: The p.L496F variant (also known as c.1488G>T), located in coding exon 11 of the CEP57 gene, results from a G to T substitution at nucleotide position 1488. The leucine at codon 496 is replaced by phenylalanine, an amino acid with highly similar properties. This amino acid position is conserved. In addition, this alteration is predicted to be tolerated by in silico analysis. Based on the available evidence, the clinical significance of this variant remains unclear.

NM_014679.5(CEP57):c.1488G>T (p.Leu496Phe)

Gene: CEP57 (centrosomal protein 57; plus strand). Cytogenetic location: 11q21.
Variant type: single nucleotide variant.
Coding change: c.1488G>T on transcript NM_014679.5 (MANE Select); coding-DNA position 1488, G replaced by T.
Protein change: p.Leu496Phe; replaces leucine 496 with phenylalanine.
Molecular consequence: missense variant.
Genome position (GRCh38, 1-based): chr11:95,831,241, G>T. VCF-style: chr11-95831241-G-T. GRCh37 (hg19) VCF-style: chr11-95564405-G-T.
Other names: c.1461G>T, p.Leu487Phe (NM_001243776.2); c.1410G>T, p.Leu470Phe (NM_001243777.2); c.1407G>T, p.Leu469Phe (NM_001363604.2); short protein forms L470F, L496F, L487F, L469F.
Identifiers: ClinVar variation 2244514 (VCV002244514.3), dbSNP rs756433197, ClinGen allele CA382410552.